The following is an entry in ClinVar:

ClinVar aggregate classification (germline): Uncertain significance. Review status: criteria provided, multiple submitters, no conflicts (2 of 4 stars). 2 submissions from 2 submitters: Uncertain significance (2). Last evaluated 2024-11-10.

Conditions:
Acromesomelic dysplasia 1, Maroteaux type (AMD1). Also called: ACROMESOMELIC DYSPLASIA 1; ST. HELENA DYSPLASIA. Identifiers: Orphanet 40, MedGen C1864356, MONDO:0011275, OMIM 602875.
Tall stature-scoliosis-macrodactyly of the great toes syndrome. Also called: Epiphyseal chondrodysplasia, miura type. Identifiers: Orphanet 329191, MedGen C4014690, MONDO:0014401, OMIM 615923.
Inborn genetic diseases. Identifiers: MedGen C0950123, MeSH D030342.

Allele frequency attached by ClinVar (database versions not stated): gnomAD exomes below 0.00001; TOPMed 0.00001; gnomAD 0.00001.
gnomAD v4.1: 2 of 1,614,020 alleles (0.00012%); highest among the groups gnomAD compares: African/African-American, 0.0013%; no homozygotes.

Submissions (2):

Ambry Genetics
Classification: Uncertain significance for Inborn genetic diseases. Last evaluated: 2024-11-10. Review status: criteria provided, single submitter. Criteria: Ambry Variant Classification Scheme 2023. Collection method: clinical testing. Allele origin: germline.

Labcorp Genetics (formerly Invitae), Labcorp
Classification: Uncertain significance for Tall stature-scoliosis-macrodactyly of the great toes syndrome; Acromesomelic dysplasia 1, Maroteaux type. Last evaluated: 2022-10-20. Review status: criteria provided, single submitter. Criteria: Invitae Variant Classification Sherloc (09022015). Collection method: clinical testing. Allele origin: germline.
Comment: This sequence change replaces glycine, which is neutral and non-polar, with valine, which is neutral and non-polar, at codon 1029 of the NPR2 protein (p.Gly1029Val). This variant is not present in population databases (gnomAD no frequency). This variant has not been reported in the literature in individuals affected with NPR2-related conditions. Advanced modeling of protein sequence and biophysical properties (such as structural, functional, and spatial information, amino acid conservation, physicochemical variation, residue mobility, and thermodynamic stability) performed at Invitae indicates that this missense variant is expected to disrupt NPR2 protein function. In summary, the available evidence is currently insufficient to determine the role of this variant in disease. Therefore, it has been classified as a Variant of Uncertain Significance.

NM_003995.4(NPR2):c.3086G>T (p.Gly1029Val)

Genes: NPR2 (natriuretic peptide receptor 2; plus strand), SPAG8 (sperm associated antigen 8; minus strand). Cytogenetic location: 9p13.3.
Variant type: single nucleotide variant.
Coding change: c.3086G>T on transcript NM_003995.4 (MANE Select); coding-DNA position 3086, G replaced by T.
Protein change: p.Gly1029Val; replaces glycine 1029 with valine.
Molecular consequence: missense variant. On other transcripts: intron variant (2).
Genome position (GRCh38, 1-based): chr9:35,809,387, G>T. VCF-style: chr9-35809387-G-T. GRCh37 (hg19) VCF-style: chr9-35809384-G-T.
Other names: c.3095G>T, p.Gly1032Val (NM_001378923.1); c.1200+1052C>A (NM_001366760.2); c.1372+17C>A (NM_172312.2); short protein forms G1029V, G1032V.
Identifiers: ClinVar variation 1721922 (VCV001721922.7), dbSNP rs1378002065, ClinGen allele CA373387139.
Genomic context (GRCh38, chr9:35,809,387, plus strand): 5'-ACAAAGGGACTAACATCGAAGCATCTGAATCATGTCCACTCTCCCACTTCCAGGGAAAAG[G>T]AAAGATGCGAACATACTGGCTCTTAGGAGAGCGGAAAGGACCTCCTGGACTCCTGTAAAC-3'
Protein context (NP_003986.2, residues 1019-1039): LRGDVEMKGK[Gly1029Val]KMRTYWLLGE